The following is an entry in ClinVar:

NM_001356.5(DDX3X):c.1181G>A (p.Arg394His)

Gene: DDX3X (DEAD-box helicase 3 X-linked; plus strand). Cytogenetic location: Xp11.4.
Variant type: single nucleotide variant.
Coding change: c.1181G>A on transcript NM_001356.5 (MANE Select); coding-DNA position 1181, G replaced by A.
Protein change: p.Arg394His; replaces arginine 394 with histidine.
Molecular consequence: missense variant. On other transcripts: non-coding transcript variant (1).
Genome position (GRCh38, 1-based): chrX:41,345,414, G>A. VCF-style: chrX-41345414-G-A. GRCh37 (hg19) VCF-style: chrX-41204667-G-A.
Other names: c.1181G>A, p.Arg394His (NM_001193416.3); c.1133G>A, p.Arg378His (NM_001193417.3); c.623G>A, p.Arg208His (NM_001363819.1); short protein forms R394H, R208H, R378H.
Identifiers: ClinVar variation 451209 (VCV000451209.6), dbSNP rs1555953865, ClinGen allele CA412771629.
Genomic context (GRCh38, chrX:41,345,414, plus strand): 5'-TTTAGAAATTTGTTTATCTCAGGTAATAATAAAAATTTTTTTTCTTTCAGATGCTGGCTC[G>A]TGATTTCTTAGATGAATATATCTTCTTGGCTGTAGGAAGAGTTGGCTCTACCTCTGAAAA-3'
Protein context (NP_001347.3, residues 384-404): TFPKEIQMLA[Arg394His]DFLDEYIFLA

ClinVar aggregate classification (germline): Uncertain significance. Review status: criteria provided, multiple submitters, no conflicts (2 of 4 stars). 3 submissions from 3 submitters: Uncertain significance (3). Last evaluated 2024-04-20.

Submissions (3):

Labcorp Genetics (formerly Invitae), Labcorp
Classification: Uncertain significance. Last evaluated: 2024-04-20. Review status: criteria provided, single submitter. Criteria: Invitae Variant Classification Sherloc (09022015). Collection method: clinical testing. Allele origin: germline.
Comment: This sequence change replaces arginine, which is basic and polar, with histidine, which is basic and polar, at codon 394 of the DDX3X protein (p.Arg394His). This variant is not present in population databases (gnomAD no frequency). This variant has not been reported in the literature in individuals affected with DDX3X-related conditions. ClinVar contains an entry for this variant (Variation ID: 451209). Experimental studies and prediction algorithms are not available or were not evaluated, and the functional significance of this variant is currently unknown. In summary, the available evidence is currently insufficient to determine the role of this variant in disease. Therefore, it has been classified as a Variant of Uncertain Significance.

Blueprint Genetics
Classification: Uncertain significance. Last evaluated: 2021-05-21. Review status: criteria provided, single submitter. Criteria: ACMG Guidelines, 2015. Collection method: clinical testing. Allele origin: germline.

GeneDx
Classification: Uncertain significance. Last evaluated: 2017-08-05. Review status: criteria provided, single submitter. Criteria: GeneDx Variant Classification (06012015). Collection method: clinical testing. Allele origin: germline. Affected: yes.
Comment: The R394H variant in the DDX3X gene has not been reported previously as a pathogenic variant, nor as a benign variant, to our knowledge. The R394H variant is not observed in large population cohorts (Lek et al., 2016; 1000 Genomes Consortium et al., 2015; Exome Variant Server). The R394H variant is a conservative amino acid substitution, which is not likely to impact secondary protein structure as these residues share similar properties. This substitution occurs at a position that is conserved across species and is located within the helicase ATP-binding domain, within the region involved in interaction with GSK3B and the region necessary for interaction with XPO1. In silico analysis predicts this variant is probably damaging to the protein structure/function. We interpret R394H as a variant of uncertain significance.